The following is an entry in ClinVar:

NM_181712.5(KANK4):c.2626A>G (p.Met876Val)

Gene: KANK4 (KN motif and ankyrin repeat domains 4; minus strand). Cytogenetic location: 1p31.3.
Variant type: single nucleotide variant.
Coding change: c.2626A>G on transcript NM_181712.5 (MANE Select); coding-DNA position 2626, A replaced by G.
Protein change: p.Met876Val; replaces methionine 876 with valine.
Molecular consequence: missense variant.
Genome position (GRCh38, 1-based): chr1:62,253,123, T>C on the plus strand (A>G on the coding strand, the complement: KANK4 is on the minus strand). VCF-style: chr1-62253123-T-C. GRCh37 (hg19) VCF-style: chr1-62718795-T-C.
Other names: c.742A>G, p.Met248Val (NM_001320269.2); short protein forms M248V, M876V.
Identifiers: ClinVar variation 3023368 (VCV003023368.3), dbSNP rs1470765608, ClinGen allele CA340598496.
Genomic context (GRCh38, chr1:62,253,123, plus strand): 5'-CCACCTGAGTAGCTTGAATGTTCACATTTCCTTCTCTTAAGAGCTTCCAGACAACAGCCA[T>C]GTCTTCATTGGTCTCTGCGGAAGCCAAGGGAGTGATCATTACGGCAGTGTAGCCAGCTTT-3'
Protein context (NP_859063.3, residues 866-886): PLASAETNED[Met876Val]AVVWKLLREG

ClinVar aggregate classification (germline): Uncertain significance (1 of 4 stars; one submission).

Allele frequency attached by ClinVar (database versions not stated): gnomAD 0.00001.
gnomAD v4.1: 4 of 1,613,908 alleles (0.00025%); highest among the groups gnomAD compares: Admixed American, 0.005%; no homozygotes.

Submission:

Labcorp Genetics (formerly Invitae), Labcorp
Classification: Uncertain significance. Last evaluated: 2025-05-12. Review status: criteria provided, single submitter. Criteria: Invitae Variant Classification Sherloc (09022015). Collection method: clinical testing. Allele origin: germline.
Comment: This sequence change replaces methionine, which is neutral and non-polar, with valine, which is neutral and non-polar, at codon 876 of the KANK4 protein (p.Met876Val). This variant is present in population databases (no rsID available, gnomAD 0.003%). This variant has not been reported in the literature in individuals affected with KANK4-related conditions. ClinVar contains an entry for this variant (Variation ID: 3023368). An algorithm developed to predict the effect of missense changes on protein structure and function (PolyPhen-2) suggests that this variant is likely to be tolerated. In summary, the available evidence is currently insufficient to determine the role of this variant in disease. Therefore, it has been classified as a Variant of Uncertain Significance.